The following is an entry in ClinVar:

ClinVar aggregate classification (germline): Pathogenic/Likely pathogenic. Review status: criteria provided, multiple submitters, no conflicts (2 of 4 stars). 2 submissions from 2 submitters: Pathogenic (1); Likely pathogenic (1). Last evaluated 2023-06-09.

Conditions:
Sitosterolemia (STSL). Also called: PHYTOSTEROLEMIA. Identifiers: Orphanet 2882, MedGen C0342907, MONDO:0008863.
ABCG5-related disorder. Also called: ABCG5-related condition.

Allele frequency attached by ClinVar (database versions not stated): gnomAD 0.00001; TOPMed 0.00001; gnomAD exomes 0.00002.
gnomAD v4.1: 16 of 1,553,046 alleles (0.001%); highest among the groups gnomAD compares: Non-Finnish European, 0.00026%; no homozygotes.

Submissions (2):

Labcorp Genetics (formerly Invitae), Labcorp
Classification: Pathogenic for Sitosterolemia. Last evaluated: 2023-06-09. Review status: criteria provided, single submitter. Criteria: Invitae Variant Classification Sherloc (09022015). Collection method: clinical testing. Allele origin: germline.
Comment: For these reasons, this variant has been classified as Pathogenic. This variant has not been reported in the literature in individuals affected with ABCG5-related conditions. This variant is present in population databases (rs770488364, gnomAD 0.02%). This sequence change creates a premature translational stop signal (p.Glu123*) in the ABCG5 gene. It is expected to result in an absent or disrupted protein product. Loss-of-function variants in ABCG5 are known to be pathogenic (PMID: 11138003, 25665839).

Blueprint Genetics
Classification: Likely pathogenic for ABCG5-related disorders. Last evaluated: 2022-08-16. Review status: criteria provided, single submitter. Criteria: ACMG Guidelines, 2015. Collection method: clinical testing. Allele origin: germline. Affected: yes. Observed: 5 variant alleles.

Literature cited by the submitters: PubMed 11138003 (cited by Labcorp Genetics (formerly Invitae), Labcorp); PubMed 25665839 (cited by Labcorp Genetics (formerly Invitae), Labcorp).

NM_022436.3(ABCG5):c.367G>T (p.Glu123Ter)

Gene: ABCG5 (ATP binding cassette subfamily G member 5; minus strand). Cytogenetic location: 2p21.
Variant type: single nucleotide variant.
Coding change: c.367G>T on transcript NM_022436.3 (MANE Select); coding-DNA position 367, G replaced by T.
Protein change: p.Glu123Ter; replaces glutamic acid 123 with a stop codon.
Molecular consequence: nonsense.
Genome position (GRCh38, 1-based): chr2:43,831,982, C>A on the plus strand (G>T on the coding strand, the complement: ABCG5 is on the minus strand). VCF-style: chr2-43831982-C-A. GRCh37 (hg19) VCF-style: chr2-44059121-C-A.
Other names: short protein forms E123*.
Identifiers: ClinVar variation 2740333 (VCV002740333.4), dbSNP rs770488364, ClinGen allele CA1636705.